The following is an entry in ClinVar:

NM_000834.5(GRIN2B):c.1125G>A (p.Arg375=)

Gene: GRIN2B (glutamate ionotropic receptor NMDA type subunit 2B; minus strand). Cytogenetic location: 12p13.1.
Variant type: single nucleotide variant.
Coding change: c.1125G>A on transcript NM_000834.5 (MANE Select); coding-DNA position 1125, G replaced by A.
Protein change: p.Arg375=; no amino-acid change (arginine 375 retained).
Molecular consequence: synonymous variant.
Genome position (GRCh38, 1-based): chr12:13,675,745, C>T on the plus strand (G>A on the coding strand, the complement: GRIN2B is on the minus strand). VCF-style: chr12-13675745-C-T. GRCh37 (hg19) VCF-style: chr12-13828679-C-T.
Identifiers: ClinVar variation 245615 (VCV000245615.15), dbSNP rs200126922, ClinGen allele CA6461309.

ClinVar aggregate classification (germline): Conflicting classifications of pathogenicity. Review status: criteria provided, conflicting classifications (1 of 4 stars). 3 submissions from 3 submitters: Uncertain significance (2); Likely benign (1). Last evaluated 2025-04-09.

Conditions:
GRIN2B-related disorder. Also called: GRIN2B-related condition.
Intellectual developmental disorder, autosomal dominant 6, with or without seizures. Also called: Intellectual disability, autosomal dominant 6; GRIN2B-related developmental delay, intellectual disability and autism spectrum disorder. Identifiers: Orphanet 589547, MedGen C3151411, MONDO:0013509, OMIM 613970.
Developmental and epileptic encephalopathy, 27 (DEE27). Also called: Epileptic encephalopathy, early infantile, 27; GRIN2B-Related Neurodevelopmental Disorder. Identifiers: Orphanet 3451, MedGen C4015316, MONDO:0014505, OMIM 616139.

Allele frequency attached by ClinVar (database versions not stated): gnomAD exomes 0.00001 and 0.00002; ExAC 0.00002; gnomAD 0.00003; TOPMed 0.00003.
gnomAD v4.1: 21 of 1,570,790 alleles (0.0013%); highest among the groups gnomAD compares: African/African-American, 0.0027%; no homozygotes.

Submissions (3):

Labcorp Genetics (formerly Invitae), Labcorp
Classification: Uncertain significance for Developmental and epileptic encephalopathy, 27; Intellectual developmental disorder, autosomal dominant 6, with or without seizures. Last evaluated: 2025-04-09. Review status: criteria provided, single submitter. Criteria: Invitae Variant Classification Sherloc (09022015). Collection method: clinical testing. Allele origin: germline.
Comment: This sequence change affects codon 375 of the GRIN2B mRNA. It is a 'silent' change, meaning that it does not change the encoded amino acid sequence of the GRIN2B protein. This variant also falls at the last nucleotide of exon 4, which is part of the consensus splice site for this exon. This variant is present in population databases (rs200126922, gnomAD 0.01%). This variant has not been reported in the literature in individuals affected with GRIN2B-related conditions. ClinVar contains an entry for this variant (Variation ID: 245615). Variants that disrupt the consensus splice site are a relatively common cause of aberrant splicing (PMID: 17576681, 9536098). Algorithms developed to predict the effect of sequence changes on RNA splicing suggest that this variant is not likely to affect RNA splicing. In summary, the available evidence is currently insufficient to determine the role of this variant in disease. Therefore, it has been classified as a Variant of Uncertain Significance.

PreventionGenetics, part of Exact Sciences
Classification: Uncertain significance for GRIN2B-related condition. Last evaluated: 2023-04-20. Review status: criteria provided, single submitter. Criteria: ACMG Guidelines, 2015. Collection method: clinical testing. Allele origin: germline.
Comment: The GRIN2B c.1125G>A variant is not predicted to result in an amino acid change (p.=). This is a synonymous change, but is located at the last base of the exon, and in silico splicing prediction tools indicate that it may diminish the canonical splice donor signal at this exon-intron boundary (Alamut Visual v1.6.1). To our knowledge, this variant has not been reported in the literature. This variant is reported in 0.012% of alleles in individuals of African descent in gnomAD. Although we suspect that this variant may be benign, at this time, the clinical significance of this variant is uncertain due to the absence of conclusive functional and genetic evidence.

GeneDx
Classification: Likely benign. Last evaluated: 2020-01-09. Review status: criteria provided, single submitter. Criteria: GeneDx Variant Classification Process June 2021. Collection method: clinical testing. Allele origin: germline. Affected: yes.
Comment: Has not been previously published as pathogenic or benign to our knowledge; In-silico analysis, which includes splice predictors and evolutionary conservation, is inconclusive as to whether the variant alters gene splicing. In the absence of RNA/functional studies, the actual effect of this sequence change is unknown.

Literature cited by the submitters: PubMed 17576681 (cited by Labcorp Genetics (formerly Invitae), Labcorp); PubMed 9536098 (cited by Labcorp Genetics (formerly Invitae), Labcorp).